The following is an entry in ClinVar:

NM_001163809.2(WDR81):c.5484G>A (p.Glu1828=)

Gene: WDR81 (WD repeat domain 81; plus strand). Cytogenetic location: 17p13.3.
Variant type: single nucleotide variant.
Coding change: c.5484G>A on transcript NM_001163809.2 (MANE Select); coding-DNA position 5484, G replaced by A.
Protein change: p.Glu1828=; no amino-acid change (glutamic acid 1828 retained).
Molecular consequence: synonymous variant.
Genome position (GRCh38, 1-based): chr17:1,736,197, G>A. VCF-style: chr17-1736197-G-A. GRCh37 (hg19) VCF-style: chr17-1639491-G-A.
Other names: c.1875G>A, p.Glu625= (NM_001163673.2); c.1803G>A, p.Glu601= (NM_001163811.2); c.2331G>A, p.Glu777= (NM_152348.4).
Identifiers: ClinVar variation 4281111 (VCV004281111.7).

ClinVar aggregate classification (germline): Likely benign (1 of 4 stars; one submission).

Submission:

CeGaT Center for Human Genetics Tuebingen
Classification: Likely benign. Last evaluated: 2025-09-01. Review status: criteria provided, single submitter. Criteria: CeGaT Center For Human Genetics Tuebingen Variant Classification Criteria Version 2. Collection method: clinical testing. Allele origin: germline. Affected: yes. Observed: 1 variant allele.
Comment: WDR81: BP4, BP7